The following is an entry in ClinVar:

NM_001277115.2(DNAH11):c.6017C>T (p.Pro2006Leu)

Gene: DNAH11 (dynein axonemal heavy chain 11; plus strand). Cytogenetic location: 7p15.3.
Variant type: single nucleotide variant.
Coding change: c.6017C>T on transcript NM_001277115.2 (MANE Select); coding-DNA position 6017, C replaced by T.
Protein change: p.Pro2006Leu; replaces proline 2006 with leucine.
Molecular consequence: missense variant.
Genome position (GRCh38, 1-based): chr7:21,690,857, C>T. VCF-style: chr7-21690857-C-T. GRCh37 (hg19) VCF-style: chr7-21730475-C-T.
Other names: NM_001277115.2(DNAH11):c.6017C>T; p.Pro2006Leu; short protein forms P2006L.
Identifiers: ClinVar variation 359639 (VCV000359639.24), dbSNP rs117803903, ClinGen allele CA4180639.

ClinVar aggregate classification (germline): Conflicting classifications of pathogenicity. Review status: criteria provided, conflicting classifications (1 of 4 stars). 7 submissions from 7 submitters: Likely pathogenic (1); Uncertain significance (5); Benign (1). Last evaluated 2026-05-30.

Conditions:
Primary ciliary dyskinesia 7. Also called: CILIARY DYSKINESIA, PRIMARY, 7, WITH OR WITHOUT SITUS INVERSUS. Identifiers: Orphanet 244, MedGen C2678473, MONDO:0012748, OMIM 611884.
Respiratory ciliopathies including non-CF bronchiectasis.
Primary ciliary dyskinesia. Also called: Ciliary dyskinesia. Identifiers: Orphanet 244, MedGen C0008780, MONDO:0016575, HP:0012265.

Allele frequency attached by ClinVar (database versions not stated): gnomAD 0.00017 and 0.00016; TOPMed 0.00017; 1000 Genomes Project 0.00020; gnomAD exomes 0.00022 and 0.00013; ExAC 0.00012; ESP Exome Variant Server 0.00025; 1000 Genomes Project 30x 0.00031.
gnomAD v4.1: 338 of 1,612,146 alleles (0.021%); highest among the groups gnomAD compares: Non-Finnish European, 0.026%; no homozygotes.

Submissions (7):

NHS Central & South Genomic Laboratory Hub
Classification: Likely pathogenic for Respiratory ciliopathies including non-CF bronchiectasis. Last evaluated: 2026-05-30. Review status: criteria provided, single submitter. Criteria: ACMG Guidelines, 2015. Collection method: clinical testing. Allele origin: germline. Affected: yes.

Labcorp Genetics (formerly Invitae), Labcorp
Classification: Benign for Primary ciliary dyskinesia. Last evaluated: 2025-11-03. Review status: criteria provided, single submitter. Criteria: Invitae Variant Classification Sherloc (09022015). Collection method: clinical testing. Allele origin: germline.

Ambry Genetics
Classification: Uncertain significance for Primary ciliary dyskinesia. Last evaluated: 2025-08-12. Review status: criteria provided, single submitter. Criteria: Ambry Variant Classification Scheme 2023. Collection method: clinical testing. Allele origin: germline.
Comment: The p.P2006L variant (also known as c.6017C>T), located in coding exon 35 of the DNAH11 gene, results from a C to T substitution at nucleotide position 6017. The proline at codon 2006 is replaced by leucine, an amino acid with similar properties. This variant was detected in the heterozygous state in an individual with normal ciliary ultrastructure, who also had a truncating variant in DNAH11 on a different allele; the clinical significance of this finding is unclear (Blanchon S et al. J Med Genet, 2020 04;57:237-244). This amino acid position is highly conserved in available vertebrate species. In addition, the in silico prediction for this alteration is inconclusive. Since supporting evidence is limited at this time, the clinical significance of this alteration remains unclear.

Clinical Genetics Laboratory, Skane University Hospital Lund
Classification: Uncertain significance for Primary ciliary dyskinesia. Last evaluated: 2025-05-23. Review status: criteria provided, single submitter. Criteria: ACMG Guidelines, 2015. Collection method: clinical testing. Allele origin: germline. Affected: yes.
Comment: PM2, PM3_Supporting

Broad Center for Mendelian Genomics, Broad Institute of MIT and Harvard
Classification: Uncertain significance for Primary ciliary dyskinesia 7. Last evaluated: 2025-02-14. Review status: criteria provided, single submitter. Criteria: ACMG Guidelines, 2015. Collection method: curation. Allele origin: germline. Inheritance: Autosomal recessive inheritance.
Comment: The p.Pro2006Leu variant in DNAH11 has been reported in 1 individual with primary ciliary dyskinesia (PMID: 31772028), and has been identified in 0.03% (309/1179154) of European (non-Finnish) chromosomes by the Genome Aggregation Database (gnomAD; dbSNP rs117803903). Although this variant has been seen in the general population in a heterozygous state, its frequency is not high enough to rule out a pathogenic role. This variant has also been reported in ClinVar (Variation ID: 359639) and has been interpreted as a variant of uncertain significance by Illumina, Ambry Genetics, SA Pathology, and ARUP Laboratories, and Benign by Invitae. Computational prediction tools and conservation analyses do not provide strong support for or against an impact to the protein. In summary, the clinical significance of the p.Pro2006Leu variant is uncertain. ACMG/AMP Criteria applied: none (Richards 2015).

ARUP Laboratories, Molecular Genetics and Genomics, ARUP Laboratories
Classification: Uncertain significance for Primary ciliary dyskinesia 7. Last evaluated: 2022-09-20. Review status: criteria provided, single submitter. Criteria: ARUP Molecular Germline Variant Investigation Process 2021. Collection method: clinical testing. Allele origin: germline.
Comment: The DNAH11 c.6017C>T; p.Pro2006Leu variant (rs117803903) is reported in the literature in an individual with primary ciliary dyskinesia who harbored a truncating variant on the other DNAH11 allele (Blanchon 2020). This variant is also reported in ClinVar (Variation ID: 359639) and is found in the general population with an allele frequency of 0.013% (37/278,996 alleles) in the Genome Aggregation Database. The proline at codon 2006 is highly conserved, but computational analyses are uncertain whether this variant is neutral or deleterious (REVEL: 0.351). Due to limited information, the clinical significance of the p.Pro2006Leu variant is uncertain at this time. References: Blanchon S et al. Deep phenotyping, including quantitative ciliary beating parameters, and extensive genotyping in primary ciliary dyskinesia. J Med Genet. 2020 Apr;57(4):237-244. PMID: 31772028.

Genetics and Molecular Pathology, SA Pathology
Classification: Uncertain significance for Primary ciliary dyskinesia 7. Last evaluated: 2019-08-27. Review status: criteria provided, single submitter. Criteria: ACMG Guidelines, 2015. Collection method: clinical testing. Allele origin: germline. Inheritance: Autosomal recessive inheritance. Affected: yes.

Literature cited by the submitters: PubMed 31772028 (cited by Ambry Genetics).